The following is an entry in ClinVar:

ClinVar aggregate classification (germline): Uncertain significance (1 of 4 stars; one submission).

Conditions:
POLD1-related polyposis and colorectal cancer syndrome (CRCS10). Also called: Colorectal cancer 10; COLORECTAL CANCER, SUSCEPTIBILITY TO, ON CHROMOSOME 19q; Colorectal cancer, susceptibility to, 10. Identifiers: Orphanet 220460, MedGen C2675481, MONDO:0012953, OMIM 612591.

Submission:

Labcorp Genetics (formerly Invitae), Labcorp
Classification: Uncertain significance for POLD1-related polyposis and colorectal cancer syndrome. Last evaluated: 2018-02-15. Review status: criteria provided, single submitter. Criteria: Invitae Variant Classification Sherloc (09022015). Collection method: clinical testing. Allele origin: germline.
Comment: Missense variants that disrupt the 3'-5' exonuclease (proof-reading) activity of the POLD1 protein, while not abolishing its polymerase enzyme activity, are associated with an increased risk for colonic adenomatous polyps and colon cancer (PMID: 23263490, 23447401). Loss-of-function truncating variants, which result in an absent or severely disrupted POLD1 protein, are therefore unlikely to be associated with disease. Without further clinical and genetic evidence, however, this variant has been classified as a Variant of Uncertain Significance. This variant has not been reported in the literature in individuals with POLD1-related disease. This variant is not present in population databases (ExAC no frequency). This sequence change creates a premature translational stop signal (p.Ala773Glyfs*23) in the POLD1 gene. It is expected to result in an absent or disrupted protein product.

Literature cited by the submitters: PubMed 23263490; PubMed 23447401.

NM_002691.4(POLD1):c.2317dup (p.Ala773fs)

Gene: POLD1 (DNA polymerase delta 1, catalytic subunit; plus strand). Cytogenetic location: 19q13.33.
Variant type: Duplication.
Coding change: c.2317dup on transcript NM_002691.4 (MANE Select); coding-DNA position 2317, one base duplicated (G; older notation c.2317dupG).
Protein change: p.Ala773fs; shifts the reading frame from alanine 773.
Molecular consequence: frameshift variant. On other transcripts: non-coding transcript variant (1).
Genome position (GRCh38, 1-based): chr19:50,413,808, G duplicated; the last of 2 consecutive G bases (chr19:50,413,807-50,413,808); duplicating either gives the same sequence. VCF-style (leftmost placement, unchanged base first): chr19-50413806-T-TG. GRCh37 (hg19) VCF-style: chr19-50917063-T-TG.
Other names: c.2317dup, p.Ala773fs (NM_001256849.1); c.2395dup, p.Ala799fs (NM_001308632.1); c.2317dupG (NM_002691.3); short protein forms A773fs, A799fs.
Identifiers: ClinVar variation 580396 (VCV000580396.8), dbSNP rs1568635644, ClinGen allele CA891844274.
Genomic context (GRCh38, chr19:50,413,806, plus strand): 5'-TGTATGGTGACACTGACTCCGTCATGTGCCGATTCGGCGTGTCCTCGGTGGCTGAGGCGA[T>TG]GGCCCTGGGGCGGGAGGCCGCGGACTGGGTGTCAGGTCACTTCCCGTCGCCCATCCGGCT-3'